The following is an entry in ClinVar:

ClinVar aggregate classification (germline): Pathogenic (1 of 4 stars; one submission).

Conditions:
Camptodactyly-arthropathy-coxa vara-pericarditis syndrome. Also called: Arthropathy camptodactyly syndrome; Pericarditis arthropathy camptodactyly syndrome; Congenital familial hypertrophic synovitis; JACOBS SYNDROME; PAC SYNDROME; FIBROSING SEROSITIS, FAMILIAL. Identifiers: Orphanet 2848, MedGen C1859690, MONDO:0008828, OMIM 208250.

Submission:

First Genomix Gene Laboratory, Genetic Diagnostics Department
Classification: Pathogenic for Camptodactyly-arthropathy-coxa vara-pericarditis syndrome. Last evaluated: 2025-09-22. Review status: criteria provided, single submitter. Criteria: ACMG Guidelines, 2015. Collection method: clinical testing. Allele origin: germline. Inheritance: Autosomal recessive inheritance. Affected: no. Observed: 1 variant allele.

NM_005807.6(PRG4):c.3007_3010del (p.Glu1003fs)

Gene: PRG4 (proteoglycan 4; plus strand). Cytogenetic location: 1q31.1.
Variant type: Deletion.
Coding change: c.3007_3010del on transcript NM_005807.6 (MANE Select); coding-DNA positions 3007 to 3010, 4 bases deleted (GAAA; older notation c.3007_3010delGAAA).
Protein change: p.Glu1003fs; shifts the reading frame from glutamic acid 1003.
Molecular consequence: frameshift variant.
Genome position (GRCh38, 1-based): chr1:186,308,726-186,308,729, GAAA deleted; deleting any 4 consecutive bases within chr1:186,308,724-186,308,729 gives the same sequence; the c. name uses the placement nearest the transcript's 3' end. VCF-style (leftmost placement, unchanged base first): chr1-186308723-GAAGA-G. GRCh37 (hg19) VCF-style: chr1-186277855-GAAGA-G.
Other names: c.2884_2887del, p.Glu962fs (NM_001127708.3); c.2728_2731del, p.Glu910fs (NM_001127709.3); c.2605_2608del, p.Glu869fs (NM_001127710.3); c.2878_2881del, p.Glu960fs (NM_001303232.2); short protein forms E1003fs, E869fs, E910fs, E960fs, E962fs.
Identifiers: ClinVar variation 4850421 (VCV004850421.1).
Genomic context (GRCh38, chr1:186,308,723, plus strand): 5'-GCACCCAAAGTAACTACAACAAAAAAGACAATTACTACCACTGAGATTATGAACAAACCT[GAAGA>G]AACAGCTAAACCAAAAGACAGAGCTACTAATTCTAAAGCGACAACTCCTAAACCTCAAAA-3'